The following is an entry in ClinVar:

NM_000550.3(TYRP1):c.744C>G (p.Tyr248Ter)

Gene: TYRP1 (tyrosinase related protein 1; plus strand). Cytogenetic location: 9p23.
Variant type: single nucleotide variant.
Coding change: c.744C>G on transcript NM_000550.3 (MANE Select); coding-DNA position 744, C replaced by G.
Protein change: p.Tyr248Ter; replaces tyrosine 248 with a stop codon.
Molecular consequence: nonsense.
Genome position (GRCh38, 1-based): chr9:12,698,486, C>G. VCF-style: chr9-12698486-C-G. GRCh37 (hg19) VCF-style: chr9-12698486-C-G.
Other names: short protein forms Y248*.
Identifiers: ClinVar variation 2714280 (VCV002714280.3), dbSNP rs2537279998, ClinGen allele CA372939379.

ClinVar aggregate classification (germline): Pathogenic (1 of 4 stars; one submission).

Submission:

Labcorp Genetics (formerly Invitae), Labcorp
Classification: Pathogenic. Last evaluated: 2024-01-30. Review status: criteria provided, single submitter. Criteria: Invitae Variant Classification Sherloc (09022015). Collection method: clinical testing. Allele origin: germline.
Comment: This sequence change creates a premature translational stop signal (p.Tyr248*) in the TYRP1 gene. It is expected to result in an absent or disrupted protein product. Loss-of-function variants in TYRP1 are known to be pathogenic (PMID: 8651291, 9345097). This variant is not present in population databases (gnomAD no frequency). This variant has not been reported in the literature in individuals affected with TYRP1-related conditions. Algorithms developed to predict the effect of sequence changes on RNA splicing suggest that this variant may disrupt the consensus splice site. For these reasons, this variant has been classified as Pathogenic.

Literature cited by the submitters: PubMed 8651291; PubMed 9345097.